The following is an entry in ClinVar:

NM_145331.3(MAP3K7):c.1396A>T (p.Thr466Ser)

Gene: MAP3K7 (mitogen-activated protein kinase kinase kinase 7; minus strand). Cytogenetic location: 6q15.
Variant type: single nucleotide variant.
Coding change: c.1396A>T on transcript NM_145331.3 (MANE Select); coding-DNA position 1396, A replaced by T.
Protein change: p.Thr466Ser; replaces threonine 466 with serine.
Molecular consequence: missense variant.
Genome position (GRCh38, 1-based): chr6:90,523,744, T>A on the plus strand (A>T on the coding strand, the complement: MAP3K7 is on the minus strand). VCF-style: chr6-90523744-T-A. GRCh37 (hg19) VCF-style: chr6-91233463-T-A.
Other names: c.1315A>T, p.Thr439Ser (NM_003188.4, NM_145333.3); c.1396A>T, p.Thr466Ser (NM_145332.3); short protein forms T439S, T466S.
Identifiers: ClinVar variation 5003071 (VCV005003071.1).

ClinVar aggregate classification (germline): Uncertain significance (1 of 4 stars; one submission).

Submission:

OLLIN Analises Genomicas, OLLIN
Classification: Uncertain significance. Last evaluated: 2026-08-06. Review status: criteria provided, single submitter. Criteria: ACMG Guidelines 2015 PMID 25741868. Collection method: clinical testing. Allele origin: germline.
Comment: This missense variant, located in exon 14 (of 17), is absent from gnomAD and ClinVar and has not been identified in the literature. In silico analysis predicts that this variant has a tolerated effect. This gene is constrained for missense variation. According to the currently available evidence, this variant has been classified as uncertain significance (PM2_P, PP2, BP4).